The following is an entry in ClinVar:

ClinVar aggregate classification (germline): Uncertain significance (1 of 4 stars; one submission).

Allele frequency attached by ClinVar (database versions not stated): gnomAD exomes below 0.00001.
gnomAD v4.1: 1 of 1,608,372 alleles (0.000062%); highest among the groups gnomAD compares: Non-Finnish European, 0.000085%; no homozygotes.

Submission:

Ambry Genetics
Classification: Uncertain significance. Last evaluated: 2024-11-03. Review status: criteria provided, single submitter. Criteria: Ambry Variant Classification Scheme 2023. Collection method: clinical testing. Allele origin: germline.
Comment: The p.E1480K variant (also known as c.4438G>A), located in coding exon 16 of the POLQ gene, results from a G to A substitution at nucleotide position 4438. The glutamic acid at codon 1480 is replaced by lysine, an amino acid with similar properties. This amino acid position is conserved. In addition, this alteration is predicted to be tolerated by in silico analysis. Since supporting evidence is limited at this time, the clinical significance of this alteration remains unclear.

NM_199420.4(POLQ):c.4438G>A (p.Glu1480Lys)

Gene: POLQ (DNA polymerase theta; minus strand). Cytogenetic location: 3q13.33.
Variant type: single nucleotide variant.
Coding change: c.4438G>A on transcript NM_199420.4 (MANE Select); coding-DNA position 4438, G replaced by A.
Protein change: p.Glu1480Lys; replaces glutamic acid 1480 with lysine.
Molecular consequence: missense variant.
Genome position (GRCh38, 1-based): chr3:121,488,493, C>T on the plus strand (G>A on the coding strand, the complement: POLQ is on the minus strand). VCF-style: chr3-121488493-C-T. GRCh37 (hg19) VCF-style: chr3-121207340-C-T.
Other names: short protein forms E1480K.
Identifiers: ClinVar variation 1740599 (VCV001740599.3), dbSNP rs2546785898, ClinGen allele CA354095155.